The following is an entry in ClinVar:

ClinVar aggregate classification (germline): Uncertain significance. Review status: criteria provided, multiple submitters, no conflicts (2 of 4 stars). 3 submissions from 3 submitters: Uncertain significance (3). Last evaluated 2023-12-21.

Conditions:
Cardiomyopathy (CMYO). Also called: Cardiomyopathies. Identifiers: Orphanet 167848, MedGen C0878544, MONDO:0004994, HP:0001638. Inheritance: Various modes of inheritance.
Cardiovascular phenotype. Identifiers: MedGen CN230736.
Hypertrophic cardiomyopathy. Also called: HYPERTROPHIC MYOCARDIOPATHY. Identifiers: Orphanet 217569, MedGen C0007194, MeSH D002312, MONDO:0005045, HP:0001639.

Submissions (3):

Ambry Genetics
Classification: Uncertain significance for Cardiovascular phenotype. Last evaluated: 2023-12-21. Review status: criteria provided, single submitter. Criteria: Ambry Variant Classification Scheme 2023. Collection method: clinical testing. Allele origin: germline.
Comment: The c.3323_3325delAGA variant (also known as p.K1108del) is located in coding exon 30 of the MYBPC3 gene. This variant results from an in-frame AGA deletion at nucleotide positions 3323 to 3325. This results in the in-frame deletion of a lysine at codon 1108. The deleted amino acid position is highly conserved in available vertebrate species. In addition, this alteration is predicted to be deleterious by in silico analysis (Choi Y et al. PLoS ONE. 2012; 7(10):e46688). Since supporting evidence is limited at this time, the clinical significance of this alteration remains unclear.

Labcorp Genetics (formerly Invitae), Labcorp
Classification: Uncertain significance for Hypertrophic cardiomyopathy. Last evaluated: 2021-12-23. Review status: criteria provided, single submitter. Criteria: Invitae Variant Classification Sherloc (09022015). Collection method: clinical testing. Allele origin: germline.
Comment: This variant, c.3323_3325del, results in the deletion of 1 amino acid(s) of the MYBPC3 protein (p.Lys1108del), but otherwise preserves the integrity of the reading frame. This variant is present in population databases (rs767318190, gnomAD 0.002%). This variant has not been reported in the literature in individuals affected with MYBPC3-related conditions. ClinVar contains an entry for this variant (Variation ID: 922926). Experimental studies and prediction algorithms are not available or were not evaluated, and the functional significance of this variant is currently unknown. In summary, the available evidence is currently insufficient to determine the role of this variant in disease. Therefore, it has been classified as a Variant of Uncertain Significance.

Color Diagnostics, LLC DBA Color Health
Classification: Uncertain significance for Cardiomyopathy. Last evaluated: 2018-12-19. Review status: criteria provided, single submitter. Criteria: ACMG Guidelines, 2015. Collection method: clinical testing. Allele origin: germline.
Comment: Variant of Uncertain Significance due to insufficient evidence: This variant causes a deletion of one amino acid in the fibronectin type 3 domain C9 of the MYBPC3 protein. To our knowledge, functional assays have not been performed for this variant nor has this variant been reported in individuals affected with cardiovascular disorders in the literature. This variant has been identified in 2/225392 chromosomes in the general population by the Genome Aggregation Database (gnomAD). Available evidence is insufficient to determine the role of this variant in disease conclusively.

NM_000256.3(MYBPC3):c.3320AGA[1] (p.Lys1108del)

Gene: MYBPC3 (myosin binding protein C3; minus strand). Cytogenetic location: 11p11.2.
Variant type: Microsatellite.
Coding change: c.3320AGA[1] on transcript NM_000256.3 (MANE Select); one copy of the 3-base unit AGA starting at c.3320; the reference has two copies in a row; one copy, 3 bases deleted; also written c.3323_3325del.
Protein change: p.Lys1108del; deletes lysine 1108.
Molecular consequence: inframe deletion.
Genome position (GRCh38, 1-based): chr11:47,333,199-47,333,201, TCT deleted on the plus strand (AGA on the coding strand, the reverse complement: MYBPC3 is on the minus strand); deleting any 3 consecutive bases within chr11:47,333,199-47,333,205 gives the same sequence; the position shown is the placement nearest the transcript's 3' end. VCF-style (leftmost placement, unchanged base first): chr11-47333198-GTCT-G. GRCh37 (hg19) VCF-style: chr11-47354749-GTCT-G.
Other names: c.3323_3325del (NM_000256.3); c.3323_3325delAGA (NM_000256.3); short protein forms K1108del.
Identifiers: ClinVar variation 922926 (VCV000922926.5), dbSNP rs767318190, ClinGen allele CA079287.